The following is an entry in ClinVar:

ClinVar aggregate classification (germline): Uncertain significance (1 of 4 stars; one submission).

Submission:

Labcorp Genetics (formerly Invitae), Labcorp
Classification: Uncertain significance. Last evaluated: 2021-12-02. Review status: criteria provided, single submitter. Criteria: Invitae Variant Classification Sherloc (09022015). Collection method: clinical testing. Allele origin: germline.
Comment: This sequence change replaces arginine, which is basic and polar, with proline, which is neutral and non-polar, at codon 248 of the NDUFAF6 protein (p.Arg248Pro). This variant is not present in population databases (gnomAD no frequency). This variant has not been reported in the literature in individuals affected with NDUFAF6-related conditions. Algorithms developed to predict the effect of missense changes on protein structure and function are either unavailable or do not agree on the potential impact of this missense change (SIFT: "Deleterious"; PolyPhen-2: "Probably Damaging"; Align-GVGD: "Class C0"). In summary, the available evidence is currently insufficient to determine the role of this variant in disease. Therefore, it has been classified as a Variant of Uncertain Significance.

NM_152416.4(NDUFAF6):c.743G>C (p.Arg248Pro)

Gene: NDUFAF6 (NADH:ubiquinone oxidoreductase complex assembly factor 6; plus strand). Cytogenetic location: 8q22.1.
Variant type: single nucleotide variant.
Coding change: c.743G>C on transcript NM_152416.4 (MANE Select); coding-DNA position 743, G replaced by C.
Protein change: p.Arg248Pro; replaces arginine 248 with proline.
Molecular consequence: missense variant. On other transcripts: non-coding transcript variant (6).
Genome position (GRCh38, 1-based): chr8:95,048,485, G>C. VCF-style: chr8-95048485-G-C. GRCh37 (hg19) VCF-style: chr8-96060713-G-C.
Other names: c.467G>C, p.Arg156Pro (NM_001330582.2, NM_001354514.2, NM_001354515.2 and 1 more transcripts); c.587G>C, p.Arg196Pro (NM_001354516.2); c.410G>C, p.Arg137Pro (NM_001354517.2, NM_001354518.2, NM_001354519.2 and 1 more transcripts); c.287G>C, p.Arg96Pro (NM_001354522.2, NM_001354524.2, NM_001354525.2 and 7 more transcripts); short protein forms R196P, R156P, R137P, R248P, R96P.
Identifiers: ClinVar variation 1523723 (VCV001523723.6), dbSNP rs569186576, ClinGen allele CA371746570.
Genomic context (GRCh38, chr8:95,048,485, plus strand): 5'-GTTCCTAATATAATGTATATTTCCCCACACAGCATGGTGTTTCACAAGAGGACTTTCTAC[G>C]GAGGAACCAAGATAAAAATGTGAGAGATGTAATATATGACATTGCCAGTCAAGCACACTT-3'
Protein context (NP_689629.2, residues 238-258): LHGVSQEDFL[Arg248Pro]RNQDKNVRDV